The following is an entry in ClinVar:

NM_030973.4(MED25):c.1567A>T (p.Met523Leu)

Gene: MED25 (mediator complex subunit 25; plus strand). Cytogenetic location: 19q13.33.
Variant type: single nucleotide variant.
Coding change: c.1567A>T on transcript NM_030973.4 (MANE Select); coding-DNA position 1567, A replaced by T.
Protein change: p.Met523Leu; replaces methionine 523 with leucine.
Molecular consequence: missense variant.
Genome position (GRCh38, 1-based): chr19:49,835,070, A>T. VCF-style: chr19-49835070-A-T. GRCh37 (hg19) VCF-style: chr19-50338327-A-T.
Other names: c.1567A>T, p.Met523Leu (NM_001378355.1); short protein forms M523L.
Identifiers: ClinVar variation 642269 (VCV000642269.10), dbSNP rs1568625142, ClinGen allele CA406918120.

ClinVar aggregate classification (germline): Uncertain significance (1 of 4 stars; one submission).

Conditions:
Charcot-Marie-Tooth disease type 2. Also called: Charcot-Marie-Tooth type 2. Identifiers: Orphanet 64746, MedGen C0270914, MONDO:0018993.

Allele frequency attached by ClinVar (database versions not stated): gnomAD exomes below 0.00001.
gnomAD v4.1: 1 of 1,614,062 alleles (0.000062%); highest among the groups gnomAD compares: Non-Finnish European, 0.000085%; no homozygotes.

Submission:

Labcorp Genetics (formerly Invitae), Labcorp
Classification: Uncertain significance for Charcot-Marie-Tooth disease type 2. Last evaluated: 2022-01-14. Review status: criteria provided, single submitter. Criteria: Invitae Variant Classification Sherloc (09022015). Collection method: clinical testing. Allele origin: germline.
Comment: In summary, the available evidence is currently insufficient to determine the role of this variant in disease. Therefore, it has been classified as a Variant of Uncertain Significance. Algorithms developed to predict the effect of missense changes on protein structure and function (SIFT, PolyPhen-2, Align-GVGD) all suggest that this variant is likely to be tolerated. ClinVar contains an entry for this variant (Variation ID: 642269). This variant has not been reported in the literature in individuals affected with MED25-related conditions. This variant is not present in population databases (gnomAD no frequency). This sequence change replaces methionine, which is neutral and non-polar, with leucine, which is neutral and non-polar, at codon 523 of the MED25 protein (p.Met523Leu).